The following is an entry in ClinVar:

NM_003200.5(TCF3):c.1885G>A (p.Val629Met)

Gene: TCF3 (transcription factor 3; minus strand). Cytogenetic location: 19p13.3.
Variant type: single nucleotide variant.
Coding change: c.1885G>A on transcript NM_003200.5 (MANE Select); coding-DNA position 1885, G replaced by A.
Protein change: p.Val629Met; replaces valine 629 with methionine.
Molecular consequence: missense variant.
Genome position (GRCh38, 1-based): chr19:1,611,787, C>T on the plus strand (G>A on the coding strand, the complement: TCF3 is on the minus strand). VCF-style: chr19-1611787-C-T. GRCh37 (hg19) VCF-style: chr19-1611786-C-T.
Other names: c.1876G>A, p.Val626Met (NM_001136139.4, NM_001351779.2); c.1882G>A, p.Val628Met (NM_001351778.2); short protein forms V628M, V629M, V626M.
Identifiers: ClinVar variation 1375523 (VCV001375523.6), dbSNP rs778610405, ClinGen allele CA9049515.
Genomic context (GRCh38, chr19:1,611,787, plus strand): 5'-TGTGGGCTTCGCTCAGGCCTGGGTGGGGAGCTGAAAGCACCATCTGGGGGTCTCCAACCA[C>T]ACCTGACACCTTTTCCTCTTCTCGCCGTTTCAAACAGGCTGCTTTGGGATTCAGGTTCCG-3'
Protein context (NP_003191.1, residues 619-639): KRREEEKVSG[Val629Met]VGDPQMVLSA

ClinVar aggregate classification (germline): Uncertain significance (1 of 4 stars; one submission).

Allele frequency attached by ClinVar (database versions not stated): gnomAD 0.00001; gnomAD exomes 0.00001 and 0.00005; ExAC 0.00010.
gnomAD v4.1: 15 of 1,613,732 alleles (0.00093%); highest among the groups gnomAD compares: Admixed American, 0.023%; no homozygotes.

Submission:

Labcorp Genetics (formerly Invitae), Labcorp
Classification: Uncertain significance. Last evaluated: 2024-09-23. Review status: criteria provided, single submitter. Criteria: Invitae Variant Classification Sherloc (09022015). Collection method: clinical testing. Allele origin: germline.
Comment: This sequence change replaces valine, which is neutral and non-polar, with methionine, which is neutral and non-polar, at codon 629 of the TCF3 protein (p.Val629Met). This variant is present in population databases (rs778610405, gnomAD 0.04%). This variant has not been reported in the literature in individuals affected with TCF3-related conditions. ClinVar contains an entry for this variant (Variation ID: 1375523). Invitae Evidence Modeling of protein sequence and biophysical properties (such as structural, functional, and spatial information, amino acid conservation, physicochemical variation, residue mobility, and thermodynamic stability) indicates that this missense variant is not expected to disrupt TCF3 protein function with a negative predictive value of 80%. Algorithms developed to predict the effect of sequence changes on RNA splicing suggest that this variant may create or strengthen a splice site. In summary, the available evidence is currently insufficient to determine the role of this variant in disease. Therefore, it has been classified as a Variant of Uncertain Significance.